The following is an entry in ClinVar:

ClinVar aggregate classification (germline): Uncertain significance (1 of 4 stars; one submission).

Conditions:
Hereditary cancer-predisposing syndrome. Also called: Neoplastic Syndromes, Hereditary; Tumor predisposition; Hereditary Cancer Syndrome; Hereditary neoplastic syndrome. Identifiers: Orphanet 140162, MedGen C0027672, MeSH D009386, MONDO:0015356.

Submission:

Ambry Genetics
Classification: Uncertain significance for Hereditary cancer-predisposing syndrome. Last evaluated: 2025-12-29. Review status: criteria provided, single submitter. Criteria: Ambry Variant Classification Scheme 2023. Collection method: clinical testing. Allele origin: germline.
Comment: The p.K1122N variant (also known as c.3366G>C), located in coding exon 17 of the BLM gene, results from a G to C substitution at nucleotide position 3366. The lysine at codon 1122 is replaced by asparagine, an amino acid with similar properties. This amino acid position is conserved. In addition, this alteration is predicted to be tolerated by in silico analysis. Based on the available evidence, the clinical significance of this variant remains unclear.

NM_000057.4(BLM):c.3366G>C (p.Lys1122Asn)

Gene: BLM (BLM RecQ like helicase; plus strand). Cytogenetic location: 15q26.1.
Variant type: single nucleotide variant.
Coding change: c.3366G>C on transcript NM_000057.4 (MANE Select); coding-DNA position 3366, G replaced by C.
Protein change: p.Lys1122Asn; replaces lysine 1122 with asparagine.
Molecular consequence: missense variant. On other transcripts: intron variant (1).
Genome position (GRCh38, 1-based): chr15:90,803,528, G>C. VCF-style: chr15-90803528-G-C. GRCh37 (hg19) VCF-style: chr15-91346758-G-C.
Other names: c.3366G>C, p.Lys1122Asn (NM_001287246.2); c.2241G>C, p.Lys747Asn (NM_001287248.2); c.3358+5191G>C (NM_001287247.2); short protein forms K1122N, K747N.
Identifiers: ClinVar variation 4835934 (VCV004835934.1).